The following is an entry in ClinVar:

ClinVar aggregate classification (germline): Uncertain significance (1 of 4 stars; one submission).

Conditions:
Neuroblastoma, susceptibility to, 3. Also called: ALK-Related Neuroblastic Tumor Susceptibility. Identifiers: Orphanet 635, MedGen C2751681, MONDO:0013083, OMIM 613014.

Submission:

Labcorp Genetics (formerly Invitae), Labcorp
Classification: Uncertain significance for Neuroblastoma, susceptibility to, 3. Last evaluated: 2021-03-09. Review status: criteria provided, single submitter. Criteria: Invitae Variant Classification Sherloc (09022015). Collection method: clinical testing. Allele origin: germline.
Comment: This sequence change replaces proline with leucine at codon 1329 of the ALK protein (p.Pro1329Leu). The proline residue is highly conserved and there is a moderate physicochemical difference between proline and leucine. This variant is not present in population databases (ExAC no frequency). This variant has not been reported in the literature in individuals with ALK-related conditions. Algorithms developed to predict the effect of missense changes on protein structure and function are either unavailable or do not agree on the potential impact of this missense change (SIFT: "Deleterious"; PolyPhen-2: "Probably Damaging"; Align-GVGD: "Class C0"). In summary, the available evidence is currently insufficient to determine the role of this variant in disease. Therefore, it has been classified as a Variant of Uncertain Significance.

NM_004304.5(ALK):c.3986C>T (p.Pro1329Leu)

Gene: ALK (ALK receptor tyrosine kinase; minus strand). Cytogenetic location: 2p23.2.
Variant type: single nucleotide variant.
Coding change: c.3986C>T on transcript NM_004304.5 (MANE Select); coding-DNA position 3986, C replaced by T.
Protein change: p.Pro1329Leu; replaces proline 1329 with leucine.
Molecular consequence: missense variant.
Genome position (GRCh38, 1-based): chr2:29,197,629, G>A on the plus strand (C>T on the coding strand, the complement: ALK is on the minus strand). VCF-style: chr2-29197629-G-A. GRCh37 (hg19) VCF-style: chr2-29420495-G-A.
Other names: c.782C>T, p.Pro261Leu (NM_001353765.2); short protein forms P1329L, P261L.
Identifiers: ClinVar variation 1405491 (VCV001405491.8), dbSNP rs2148143494, ClinGen allele CA346466250.